The following is an entry in ClinVar:

NM_001032386.2(SUOX):c.50+5G>A

Gene: SUOX (sulfite oxidase; plus strand). Cytogenetic location: 12q13.2.
Variant type: single nucleotide variant.
Coding change: c.50+5G>A on transcript NM_001032386.2 (MANE Select); 5 bases into the intron after coding-DNA position 50, G replaced by A.
Molecular consequence: intron variant.
Genome position (GRCh38, 1-based): chr12:56,002,276, G>A. VCF-style: chr12-56002276-G-A. GRCh37 (hg19) VCF-style: chr12-56396060-G-A.
Other names: c.50+5G>A (NM_000456.3, NM_001032387.2).
Identifiers: ClinVar variation 1448237 (VCV001448237.7), dbSNP rs1293389677, ClinGen allele CA605253454.

ClinVar aggregate classification (germline): Uncertain significance (1 of 4 stars; one submission).

Conditions:
Sulfite oxidase deficiency. Also called: Isolated sulfite oxidase deficiency. Identifiers: Orphanet 833, Orphanet 99731, MedGen C0268624, MONDO:0010089, OMIM 272300, HP:0003643.

Allele frequency attached by ClinVar (database versions not stated): gnomAD exomes below 0.00001; TOPMed below 0.00001; gnomAD 0.00001.
gnomAD v4.1: 2 of 1,610,780 alleles (0.00012%); highest among the groups gnomAD compares: African/African-American, 0.0013%; no homozygotes.

Submission:

Labcorp Genetics (formerly Invitae), Labcorp
Classification: Uncertain significance for Sulfite oxidase deficiency. Last evaluated: 2023-10-03. Review status: criteria provided, single submitter. Criteria: Invitae Variant Classification Sherloc (09022015). Collection method: clinical testing. Allele origin: germline.
Comment: This sequence change falls in intron 4 of the SUOX gene. It does not directly change the encoded amino acid sequence of the SUOX protein. It affects a nucleotide within the consensus splice site. The frequency data for this variant in the population databases is considered unreliable, as metrics indicate poor data quality at this position in the gnomAD database. This variant has not been reported in the literature in individuals affected with SUOX-related conditions. ClinVar contains an entry for this variant (Variation ID: 1448237). Variants that disrupt the consensus splice site are a relatively common cause of aberrant splicing (PMID: 17576681, 9536098). Algorithms developed to predict the effect of sequence changes on RNA splicing suggest that this variant may disrupt the consensus splice site. In summary, the available evidence is currently insufficient to determine the role of this variant in disease. Therefore, it has been classified as a Variant of Uncertain Significance.

Literature cited by the submitters: PubMed 17576681; PubMed 9536098.